The following is an entry in ClinVar:

ClinVar aggregate classification (germline): Uncertain significance (1 of 4 stars; one submission).

Conditions:
Werner syndrome (WRN). Identifiers: Orphanet 902, MedGen C0043119, MONDO:0010196, OMIM 277700.

Submission:

Labcorp Genetics (formerly Invitae), Labcorp
Classification: Uncertain significance for Werner syndrome. Last evaluated: 2023-07-25. Review status: criteria provided, single submitter. Criteria: Invitae Variant Classification Sherloc (09022015). Collection method: clinical testing. Allele origin: germline.
Comment: This sequence change replaces cysteine, which is neutral and slightly polar, with glycine, which is neutral and non-polar, at codon 936 of the WRN protein (p.Cys936Gly). This variant is not present in population databases (gnomAD no frequency). In summary, the available evidence is currently insufficient to determine the role of this variant in disease. Therefore, it has been classified as a Variant of Uncertain Significance. An algorithm developed to predict the effect of missense changes on protein structure and function (PolyPhen-2) suggests that this variant is likely to be disruptive. ClinVar contains an entry for this variant (Variation ID: 1010359). This variant has not been reported in the literature in individuals affected with WRN-related conditions.

NM_000553.6(WRN):c.2806T>G (p.Cys936Gly)

Gene: WRN (WRN RecQ like helicase; plus strand). Cytogenetic location: 8p12.
Variant type: single nucleotide variant.
Coding change: c.2806T>G on transcript NM_000553.6 (MANE Select); coding-DNA position 2806, T replaced by G.
Protein change: p.Cys936Gly; replaces cysteine 936 with glycine.
Molecular consequence: missense variant.
Genome position (GRCh38, 1-based): chr8:31,124,981, T>G. VCF-style: chr8-31124981-T-G. GRCh37 (hg19) VCF-style: chr8-30982497-T-G.
Other names: short protein forms C936G.
Identifiers: ClinVar variation 1010359 (VCV001010359.5), dbSNP rs1801862418, ClinGen allele CA370917824.